The following is an entry in ClinVar:

NM_000052.7(ATP7A):c.1693G>A (p.Val565Ile)

Gene: ATP7A (ATPase copper transporting alpha; plus strand). Cytogenetic location: Xq21.1.
Variant type: single nucleotide variant.
Coding change: c.1693G>A on transcript NM_000052.7 (MANE Select); coding-DNA position 1693, G replaced by A.
Protein change: p.Val565Ile; replaces valine 565 with isoleucine.
Molecular consequence: missense variant.
Genome position (GRCh38, 1-based): chrX:78,003,222, G>A. VCF-style: chrX-78003222-G-A. GRCh37 (hg19) VCF-style: chrX-77258719-G-A.
Other names: c.1693G>A, p.Val565Ile (NM_001282224.2); short protein forms V565I.
Identifiers: ClinVar variation 4888208 (VCV004888208.1).

ClinVar aggregate classification (germline): Uncertain significance (1 of 4 stars; one submission).

Submission:

GeneDx
Classification: Uncertain significance. Last evaluated: 2026-02-01. Review status: criteria provided, single submitter. Criteria: GeneDx Variant Classification Process June 2021. Collection method: clinical testing. Allele origin: germline.
Comment: Not observed at significant frequency in large population cohorts (gnomAD); In silico analysis suggests that this missense variant does not alter protein structure/function; Has not been previously published as pathogenic or benign to our knowledge